The following is an entry in ClinVar:

ClinVar aggregate classification (germline): Conflicting classifications of pathogenicity. Review status: criteria provided, conflicting classifications (1 of 4 stars). 4 submissions from 4 submitters: Uncertain significance (3); Likely benign (1). Last evaluated 2026-08-06.

Conditions:
Hereditary cancer-predisposing syndrome. Also called: Tumor predisposition; Neoplastic Syndromes, Hereditary; Hereditary Cancer Syndrome; Hereditary neoplastic syndrome. Identifiers: Orphanet 140162, MedGen C0027672, MeSH D009386, MONDO:0015356.
Intellectual disability, autosomal dominant 16 (CSS4). Also called: COFFIN-SIRIS SYNDROME 4. Identifiers: Orphanet 1465, MedGen C3553249, MONDO:0013821, OMIM 614609.
Rhabdoid tumor predisposition syndrome 2 (RTPS2). Identifiers: Orphanet 231108, Orphanet 69077, MedGen C2750074, MONDO:0013224, OMIM 613325.

Allele frequency attached by ClinVar (database versions not stated): TOPMed below 0.00001; gnomAD 0.00001; gnomAD exomes 0.00001.

Submissions (4):

OLLIN Analises Genomicas, OLLIN
Classification: Uncertain significance for Rhabdoid tumor predisposition syndrome 2. Last evaluated: 2026-08-06. Review status: criteria provided, single submitter. Criteria: ACMG Guidelines 2015 PMID 25741868. Collection method: clinical testing. Allele origin: germline. Inheritance: Autosomal dominant inheritance.
Comment: This missense variant, located in exon 15 (of 35), has been reported in ClinVar (accession VCV000470295.17) and in gnomAD with an allele frequency of 0.00025%. However, to our knowledge, it has not been reported in the scientific literature. In silico analysis is inconclusive regarding the impact of this variant. This gene is constrained for missense variation. According to the currently available evidence, this variant has been classified as uncertain significance (PP2).

Labcorp Genetics (formerly Invitae), Labcorp
Classification: Uncertain significance for Rhabdoid tumor predisposition syndrome 2. Last evaluated: 2025-08-30. Review status: criteria provided, single submitter. Criteria: Invitae Variant Classification Sherloc (09022015). Collection method: clinical testing. Allele origin: germline.
Comment: This sequence change replaces valine, which is neutral and non-polar, with isoleucine, which is neutral and non-polar, at codon 753 of the SMARCA4 protein (p.Val753Ile). This variant is present in population databases (no rsID available, gnomAD 0.01%). This variant has not been reported in the literature in individuals affected with SMARCA4-related conditions. ClinVar contains an entry for this variant (Variation ID: 470295). Invitae Evidence Modeling of protein sequence and biophysical properties (such as structural, functional, and spatial information, amino acid conservation, physicochemical variation, residue mobility, and thermodynamic stability) has been performed for this missense variant. However, the output from this modeling did not meet the statistical confidence thresholds required to predict the impact of this variant on SMARCA4 protein function. RNA analysis performed to evaluate the impact of this missense change on mRNA splicing indicates it does not significantly alter splicing (internal data). In summary, the available evidence is currently insufficient to determine the role of this variant in disease. Therefore, it has been classified as a Variant of Uncertain Significance.

Ambry Genetics
Classification: Likely benign for Hereditary cancer-predisposing syndrome. Last evaluated: 2021-07-16. Review status: criteria provided, single submitter. Criteria: Ambry Variant Classification Scheme 2023. Collection method: clinical testing. Allele origin: germline.

Genome-Nilou Lab
Classification: Uncertain significance for Intellectual disability, autosomal dominant 16. Last evaluated: 2021-07-15. Review status: criteria provided, single submitter. Criteria: ACMG Guidelines, 2015. Collection method: clinical testing. Allele origin: germline. Affected: no.

NM_003072.5(SMARCA4):c.2257G>A (p.Val753Ile)

Gene: SMARCA4 (SWI/SNF related BAF chromatin remodeling complex subunit ATPase 4; plus strand). Cytogenetic location: 19p13.2.
Variant type: single nucleotide variant.
Coding change: c.2257G>A on transcript NM_003072.5 (MANE Select); coding-DNA position 2257, G replaced by A.
Protein change: p.Val753Ile; replaces valine 753 with isoleucine.
Molecular consequence: missense variant. On other transcripts: non-coding transcript variant (1).
Genome position (GRCh38, 1-based): chr19:11,010,514, G>A. VCF-style: chr19-11010514-G-A. GRCh37 (hg19) VCF-style: chr19-11121190-G-A.
Other names: c.2257G>A, p.Val753Ile (NM_001128844.3, NM_001128845.2, NM_001128846.2 and 5 more transcripts); short protein forms V753I.
Identifiers: ClinVar variation 470295 (VCV000470295.18), dbSNP rs1483352845, ClinGen allele CA404052941.
Genomic context (GRCh38, chr19:11,010,514, plus strand): 5'-GCCGTGGCCCATGCTGTCACTGAGAGAGTGGACAAGCAGTCAGCGCTTATGGTCAATGGT[G>A]TCCTCAAACAGTACCAGGTGAGGTAGGGGGTGGGGAGGCCACCGCCACGTAGCTGCCTCG-3'
Protein context (NP_003063.2, residues 743-763): DKQSALMVNG[Val753Ile]LKQYQIKGLE